The following is an entry in ClinVar:

ClinVar aggregate classification (germline): Uncertain significance (1 of 4 stars; one submission).

Submission:

Women's Health and Genetics/Laboratory Corporation of America, LabCorp
Classification: Uncertain significance. Last evaluated: 2023-12-22. Review status: criteria provided, single submitter. Criteria: LabCorp Variant Classification Summary - May 2015. Collection method: clinical testing. Allele origin: germline.
Comment: Variant summary: The variant identified by MLPA or other technology involves the duplication of exons 1-11 (i.e. the full coding sequence) of the SLC25A26 gene. A presumed nomenclature of c.(?_-729)_(*1117_?)dup has been designated for the purposes of this classification. It has been assumed that this is a tandem duplication in direct orientation (Richardson_GIM_2018, Newman_AJHG_2015). Since exact breakpoints of this duplication are not known, it might extend beyond the assayed region of the SLC25A26 gene, including other flanking genes. A large duplication variant (1168229 bp) involving the SLC25A26 was found at a frequency of 4.6e-05 in 21694 control chromosomes (gnomAD, Structural Variant Dataset). The available data on variant occurrences in the general population are insufficient to allow any conclusion about variant significance. To our knowledge, no occurrence of c.(?_-729)_(*1117_?)dup in individuals affected with Combined Oxidative Phosphorylation Deficiency 28 and no experimental evidence demonstrating its impact on protein function have been reported. No submitters have cited clinical-significance assessments for this variant to ClinVar after 2014. Based on the evidence outlined above, the variant was classified as uncertain significance.

NC_000003.11:g.(?_66119284)_(66429348_?)dup

Genes: LRIG1 (leucine rich repeats and immunoglobulin like domains 1; minus strand), SLC25A26 (solute carrier family 25 member 26; plus strand). Cytogenetic location: 3p14.1.
Variant type: Duplication.
Identifiers: ClinVar variation 2691394 (VCV002691394.1).